The following is an entry in ClinVar:

ClinVar aggregate classification (germline): Uncertain significance (1 of 4 stars; one submission).

Submission:

GeneDx
Classification: Uncertain significance. Last evaluated: 2024-11-07. Review status: criteria provided, single submitter. Criteria: GeneDx Variant Classification Process June 2021. Collection method: clinical testing. Allele origin: germline. Affected: yes.
Comment: Not observed at significant frequency in large population cohorts (gnomAD); In silico analysis indicates that this missense variant does not alter protein structure/function; Has not been previously published as pathogenic or benign to our knowledge

NM_002693.3(POLG):c.2017G>A (p.Ala673Thr)

Gene: POLG (DNA polymerase gamma, catalytic subunit; minus strand). Cytogenetic location: 15q26.1.
Variant type: single nucleotide variant.
Coding change: c.2017G>A on transcript NM_002693.3 (MANE Select); coding-DNA position 2017, G replaced by A.
Protein change: p.Ala673Thr; replaces alanine 673 with threonine.
Molecular consequence: missense variant.
Genome position (GRCh38, 1-based): chr15:89,324,160, C>T on the plus strand (G>A on the coding strand, the complement: POLG is on the minus strand). VCF-style: chr15-89324160-C-T. GRCh37 (hg19) VCF-style: chr15-89867391-C-T.
Other names: c.2017G>A, p.Ala673Thr (NM_001126131.2); short protein forms A673T.
Identifiers: ClinVar variation 3899154 (VCV003899154.1).
Genomic context (GRCh38, chr15:89,324,160, plus strand): 5'-CCCTCACCGTTTGCCATATGGCACTATTGTCAGTGAGCAGGAACTCCTCCGCCAGGCCGG[C>T]CTCCTGGGGCATCAGCTGCTGCTTCCCCTGTTCGAGACAGTGCTTCCTGTACAGGGACTC-3'
Protein context (NP_002684.1, residues 663-683): QGKQQLMPQE[Ala673Thr]GLAEEFLLTD